The following is an entry in ClinVar:

ClinVar aggregate classification (germline): Uncertain significance (1 of 4 stars; one submission).

gnomAD v4.1: 1 of 1,614,104 alleles (0.000062%); no homozygotes.

Submission:

Labcorp Genetics (formerly Invitae), Labcorp
Classification: Uncertain significance. Last evaluated: 2023-10-05. Review status: criteria provided, single submitter. Criteria: Invitae Variant Classification Sherloc (09022015). Collection method: clinical testing. Allele origin: germline.
Comment: This sequence change replaces alanine, which is neutral and non-polar, with threonine, which is neutral and polar, at codon 322 of the APPL1 protein (p.Ala322Thr). This variant is not present in population databases (gnomAD no frequency). This variant has not been reported in the literature in individuals affected with APPL1-related conditions. Advanced modeling of protein sequence and biophysical properties (such as structural, functional, and spatial information, amino acid conservation, physicochemical variation, residue mobility, and thermodynamic stability) performed at Invitae indicates that this missense variant is not expected to disrupt APPL1 protein function. In summary, the available evidence is currently insufficient to determine the role of this variant in disease. Therefore, it has been classified as a Variant of Uncertain Significance.

NM_012096.3(APPL1):c.964G>A (p.Ala322Thr)

Gene: APPL1 (adaptor protein, phosphotyrosine interacting with PH domain and leucine zipper 1; plus strand). Cytogenetic location: 3p14.3.
Variant type: single nucleotide variant.
Coding change: c.964G>A on transcript NM_012096.3 (MANE Select); coding-DNA position 964, G replaced by A.
Protein change: p.Ala322Thr; replaces alanine 322 with threonine.
Molecular consequence: missense variant.
Genome position (GRCh38, 1-based): chr3:57,249,460, G>A. VCF-style: chr3-57249460-G-A. GRCh37 (hg19) VCF-style: chr3-57283488-G-A.
Other names: short protein forms A322T.
Identifiers: ClinVar variation 2765867 (VCV002765867.3), dbSNP rs2528786102, ClinGen allele CA353291562.